The following is an entry in ClinVar:

ClinVar aggregate classification (germline): Pathogenic (1 of 4 stars; one submission).

Conditions:
Fabry disease. Also called: ALPHA-GALACTOSIDASE A DEFICIENCY; ANDERSON-FABRY DISEASE; CERAMIDE TRIHEXOSIDASE DEFICIENCY; GLA DEFICIENCY; HEREDITARY DYSTOPIC LIPIDOSIS; Angiokeratoma corporis diffusum. Identifiers: Orphanet 324, MedGen C0002986, MONDO:0010526, OMIM 301500, HP:0001071. Disease mechanism: Fabry disease is due to inactivating mutations in the X-linked GLA gene resulting in deficiency of the enzyme Alpha Galactosidase-A., loss of function.

Submission:

Genomenon, Inc
Classification: Pathogenic for Fabry disease. Last evaluated: 2026-09-08. Review status: criteria provided, single submitter. Criteria: Genomenon Sequence Variant Interpretation Standards - Updated. Collection method: curation. Allele origin: germline. Affected: yes.
Comment: GLA p.Glu203Ter (c.607G>T) is a nonsense variant that introduces a premature stop codon at amino acid position 203 and is predicted to result in a truncated or absent protein product. This variant has been observed in at least one proband with clinical features consistent with Fabry disease (PMID:30386727;28152533). The variant was found to segregate with disease in at least one affected family (PMID:28152533). Functional or patient cell studies have been reported (PMID:28152533;32531501;31519519). It is absent or not present at a significant frequency in gnomAD. In conclusion, we classify GLA p.Glu203Ter (c.607G>T) as a pathogenic variant.

Literature cited by the submitters: PubMed 30386727; PubMed 28152533; PubMed 32531501; PubMed 31519519.

NM_000169.3(GLA):c.607G>T (p.Glu203Ter)

Genes: GLA (galactosidase alpha; minus strand), RPL36A-HNRNPH2 (RPL36A-HNRNPH2 readthrough; plus strand). Cytogenetic location: Xq22.1.
Variant type: single nucleotide variant.
Coding change: c.607G>T on transcript NM_000169.3 (MANE Select); coding-DNA position 607, G replaced by T.
Protein change: p.Glu203Ter; replaces glutamic acid 203 with a stop codon.
Molecular consequence: nonsense. On other transcripts: non-coding transcript variant (2), intron variant (2).
Genome position (GRCh38, 1-based): chrX:101,400,698, C>A on the plus strand (G>T on the coding strand, the complement: GLA is on the minus strand). VCF-style: chrX-101400698-C-A. GRCh37 (hg19) VCF-style: chrX-100655686-C-A.
Other names: c.730G>T, p.Glu244Ter (NM_001406747.1); c.607G>T, p.Glu203Ter (NM_001406748.1); c.300+5241C>A (NM_001199973.2); c.177+8876C>A (NM_001199974.2); short protein forms E203*, E244*.
Identifiers: ClinVar variation 4087167 (VCV004087167.2).